The following is an entry in ClinVar:

ClinVar aggregate classification (germline): Benign/Likely benign. Review status: criteria provided, multiple submitters, no conflicts (2 of 4 stars). 4 submissions from 4 submitters: Benign (1); Likely benign (3). Last evaluated 2026-01-19.

Conditions:
Hereditary cancer-predisposing syndrome. Also called: Tumor predisposition; Hereditary Cancer Syndrome; Neoplastic Syndromes, Hereditary; Hereditary neoplastic syndrome. Identifiers: Orphanet 140162, MedGen C0027672, MeSH D009386, MONDO:0015356.
BAP1-related tumor predisposition syndrome (TPDS1). Also called: Tumor susceptibility linked to germline BAP1 mutations; BAP1 tumor predisposition syndrome; COMMON Syndrome; TUMOR PREDISPOSITION SYNDROME 1. Identifiers: Orphanet 289539, MedGen C3280492, MONDO:0013692, OMIM 614327.

Allele frequency attached by ClinVar (database versions not stated): gnomAD exomes 0.00003 and 0.00008; TOPMed 0.00006; ExAC 0.00009; gnomAD 0.00009 and 0.00010.

Submissions (4):

Labcorp Genetics (formerly Invitae), Labcorp
Classification: Likely benign for BAP1-related tumor predisposition syndrome. Last evaluated: 2026-01-19. Review status: criteria provided, single submitter. Criteria: Invitae Variant Classification Sherloc (09022015). Collection method: clinical testing. Allele origin: germline.

Myriad Genetics, Inc.
Classification: Benign for BAP1-related tumor predisposition syndrome. Last evaluated: 2024-07-12. Review status: criteria provided, single submitter. Criteria: Myriad Autosomal Dominant, Autosomal Recessive and X-Linked Classification Criteria (2023). Collection method: clinical testing. Allele origin: unknown.
Comment: This variant is considered benign. This variant is intronic and is not expected to impact mRNA splicing. This variant has been observed at a population frequency that is significantly greater than expected given the associated disease prevalence and penetrance.

Blueprint Genetics
Classification: Likely benign. Last evaluated: 2023-12-11. Review status: criteria provided, single submitter. Criteria: ACMG Guidelines, 2015. Collection method: clinical testing. Allele origin: germline.

Color Diagnostics, LLC DBA Color Health
Classification: Likely benign for Hereditary cancer-predisposing syndrome. Last evaluated: 2017-01-03. Review status: criteria provided, single submitter. Criteria: ACMG Guidelines, 2015. Collection method: clinical testing. Allele origin: germline.

NM_004656.4(BAP1):c.660-15C>T

Gene: BAP1 (BRCA1 associated deubiquitinase 1; minus strand). Cytogenetic location: 3p21.1.
Variant type: single nucleotide variant.
Coding change: c.660-15C>T on transcript NM_004656.4 (MANE Select); 15 bases into the intron before coding-DNA position 660, C replaced by T.
Molecular consequence: intron variant.
Genome position (GRCh38, 1-based): chr3:52,406,391, G>A on the plus strand (C>T on the coding strand, the complement: BAP1 is on the minus strand). VCF-style: chr3-52406391-G-A. GRCh37 (hg19) VCF-style: chr3-52440407-G-A.
Identifiers: ClinVar variation 490877 (VCV000490877.13), dbSNP rs200791465, ClinGen allele CA2437023.